The following is an entry in ClinVar:

ClinVar aggregate classification (germline): Likely benign (0 of 4 stars; one submission).

Conditions:
SEMA3B-related disorder. Also called: SEMA3B-related condition.

Allele frequency attached by ClinVar (database versions not stated): ExAC 0.00006; gnomAD 0.00005; gnomAD exomes 0.00004; TOPMed 0.00001.
gnomAD v4.1: 62 of 1,613,360 alleles (0.0038%); highest among the groups gnomAD compares: Non-Finnish European, 0.0036%; no homozygotes.

Submission:

PreventionGenetics, part of Exact Sciences
Classification: Likely benign for SEMA3B-related condition. Last evaluated: 2021-07-13. Review status: no assertion criteria provided. Collection method: clinical testing. Allele origin: germline.
Comment: This variant is classified as likely benign based on ACMG/AMP sequence variant interpretation guidelines (Richards et al. 2015 PMID: 25741868, with internal and published modifications).

NM_001290060.2(SEMA3B):c.246C>T (p.Asn82=)

Gene: SEMA3B (semaphorin 3B; plus strand). Cytogenetic location: 3p21.31.
Variant type: single nucleotide variant.
Coding change: c.246C>T on transcript NM_001290060.2 (MANE Select); coding-DNA position 246, C replaced by T.
Protein change: p.Asn82=; no amino-acid change (asparagine 82 retained).
Molecular consequence: synonymous variant.
Genome position (GRCh38, 1-based): chr3:50,270,263, C>T. VCF-style: chr3-50270263-C-T. GRCh37 (hg19) VCF-style: chr3-50307694-C-T.
Other names: c.246C>T, p.Asn82= (NM_001005914.3, NM_001290061.1, NM_004636.4).
Identifiers: ClinVar variation 3030115 (VCV003030115.2), dbSNP rs782496788, ClinGen allele CA2413679.